The following is an entry in ClinVar:

NM_004136.4(IREB2):c.2111C>T (p.Pro704Leu)

Gene: IREB2 (iron responsive element binding protein 2; plus strand). Cytogenetic location: 15q25.1.
Variant type: single nucleotide variant.
Coding change: c.2111C>T on transcript NM_004136.4 (MANE Select); coding-DNA position 2111, C replaced by T.
Protein change: p.Pro704Leu; replaces proline 704 with leucine.
Molecular consequence: missense variant.
Genome position (GRCh38, 1-based): chr15:78,490,456, C>T. VCF-style: chr15-78490456-C-T. GRCh37 (hg19) VCF-style: chr15-78782798-C-T.
Other names: c.1361C>T, p.Pro454Leu (NM_001320941.2); c.1940C>T, p.Pro647Leu (NM_001320942.2, NM_001354994.2); short protein forms P704L, P454L, P647L.
Identifiers: ClinVar variation 2068096 (VCV002068096.1), dbSNP rs201201058, ClinGen allele CA7683157.
Genomic context (GRCh38, chr15:78,490,456, plus strand): 5'-TTCATCAACGAAAACTGTATTCACAGATGGGGAATAAACGGTGGAATTCCTTAGAAGCAC[C>T]GGATTCAGTTTTGTTTCCATGGGACTTAAAGTCTACTTATATCAGATGCCCTTCATTTTT-3'
Protein context (NP_004127.2, residues 694-714): GNKRWNSLEA[Pro704Leu]DSVLFPWDLK

ClinVar aggregate classification (germline): Uncertain significance (1 of 4 stars; one submission).

Allele frequency attached by ClinVar (database versions not stated): gnomAD 0.00001; ExAC 0.00003; TOPMed 0.00004.
gnomAD v4.1: 33 of 1,606,264 alleles (0.0021%); highest among the groups gnomAD compares: Admixed American, 0.038%; no homozygotes.

Submission:

Labcorp Genetics (formerly Invitae), Labcorp
Classification: Uncertain significance. Last evaluated: 2022-05-07. Review status: criteria provided, single submitter. Criteria: Invitae Variant Classification Sherloc (09022015). Collection method: clinical testing. Allele origin: germline.
Comment: This sequence change replaces proline, which is neutral and non-polar, with leucine, which is neutral and non-polar, at codon 704 of the IREB2 protein (p.Pro704Leu). This variant is present in population databases (rs201201058, gnomAD 0.06%). This variant has not been reported in the literature in individuals affected with IREB2-related conditions. Algorithms developed to predict the effect of missense changes on protein structure and function are either unavailable or do not agree on the potential impact of this missense change (SIFT: "Not Available"; PolyPhen-2: "Benign"; Align-GVGD: "Not Available"). In summary, the available evidence is currently insufficient to determine the role of this variant in disease. Therefore, it has been classified as a Variant of Uncertain Significance.